The following is an entry in ClinVar:

NM_013450.4(BAZ2B):c.6000T>C (p.Asn2000=)

Gene: BAZ2B (bromodomain adjacent to zinc finger domain 2B; minus strand). Cytogenetic location: 2q24.2.
Variant type: single nucleotide variant.
Coding change: c.6000T>C on transcript NM_013450.4 (MANE Select); coding-DNA position 6000, T replaced by C.
Protein change: p.Asn2000=; no amino-acid change (asparagine 2000 retained).
Molecular consequence: synonymous variant.
Genome position (GRCh38, 1-based): chr2:159,325,862, A>G on the plus strand (T>C on the coding strand, the complement: BAZ2B is on the minus strand). VCF-style: chr2-159325862-A-G. GRCh37 (hg19) VCF-style: chr2-160182373-A-G.
Other names: c.5892T>C, p.Asn1964= (NM_001289975.1); c.5943T>C, p.Asn1981= (NM_001329857.2); c.5925T>C, p.Asn1975= (NM_001329858.2).
Identifiers: ClinVar variation 3052514 (VCV003052514.2), dbSNP rs376860541, ClinGen allele CA1923723.

ClinVar aggregate classification (germline): Likely benign (0 of 4 stars; one submission).

Conditions:
BAZ2B-related disorder. Also called: BAZ2B-related condition.

Allele frequency attached by ClinVar (database versions not stated): gnomAD 0.00005; gnomAD exomes 0.00006; TOPMed 0.00007; ExAC 0.00011; ESP Exome Variant Server 0.00017.
gnomAD v4.1: 95 of 1,601,166 alleles (0.0059%); highest among the groups gnomAD compares: Middle Eastern, 0.017%; no homozygotes.

Submission:

PreventionGenetics, part of Exact Sciences
Classification: Likely benign for BAZ2B-related condition. Last evaluated: 2019-09-05. Review status: no assertion criteria provided. Collection method: clinical testing. Allele origin: germline.
Comment: This variant is classified as likely benign based on ACMG/AMP sequence variant interpretation guidelines (Richards et al. 2015 PMID: 25741868, with internal and published modifications).